The following is an entry in ClinVar:

ClinVar aggregate classification (germline): Benign. Review status: criteria provided, multiple submitters, no conflicts (2 of 4 stars). 10 submissions from 10 submitters: Benign (5). 5 of the submissions do not count toward it. Last evaluated 2026-09-01.

Conditions:
Zellweger spectrum disorders (ZS). Also called: Zellweger Spectrum Disorder; Zellweger Spectrum; Zellweger syndrome; Zellweger Spectrum Disorder (ZSD). Identifiers: Orphanet 912, MedGen C0043459, MONDO:0019609.
Peroxisome biogenesis disorder 1A (Zellweger) (PBD1A). Also called: Zellweger leukodystrophy; Peroxisome biogenesis disorder 1a. Identifiers: MedGen C4721541, MONDO:0008953, OMIM 214100.

Allele frequency attached by ClinVar (database versions not stated): gnomAD 0.00226 and 0.00213; TOPMed 0.00297; gnomAD exomes 0.00310 and 0.00504; ExAC 0.00443; 1000 Genomes Project 30x 0.00156; 1000 Genomes Project 0.00160; ESP Exome Variant Server 0.00185.
gnomAD v4.1: 4,877 of 1,614,040 alleles (0.3%); highest among the groups gnomAD compares: Admixed American, 1.4%; 22 homozygotes.

Submissions (11):

CeGaT Center for Human Genetics Tuebingen
Classification: Benign. Last evaluated: 2026-09-01. Review status: criteria provided, single submitter. Criteria: CeGaT Center For Human Genetics Tuebingen Variant Classification Criteria Version 2. Collection method: clinical testing. Allele origin: germline. Affected: yes. Observed: 13 variant alleles.
Comment: PEX1: BP4, BS1, BS2

Labcorp Genetics (formerly Invitae), Labcorp
Classification: Benign for Zellweger spectrum disorders. Last evaluated: 2026-02-01. Review status: criteria provided, single submitter. Criteria: Invitae Variant Classification Sherloc (09022015). Collection method: clinical testing. Allele origin: germline.

Illumina Laboratory Services, Illumina
Classification: Benign for Peroxisome biogenesis disorder 1A (Zellweger). Last evaluated: 2018-01-13. Review status: criteria provided, single submitter. Criteria: ICSL Variant Classification Criteria 13 December 2019. Collection method: clinical testing. Allele origin: germline.
Comment: This variant was observed in the ICSL laboratory as part of a predisposition screen in an ostensibly healthy population. It had not been previously curated by ICSL or reported in the Human Gene Mutation Database (HGMD: prior to June 1st, 2018), and was therefore a candidate for classification through an automated scoring system. Utilizing variant allele frequency, disease prevalence and penetrance estimates, and inheritance mode, an automated score was calculated to assess if this variant is too frequent to cause the disease. Based on the score and internal cut-off values, a variant classified as benign is not then subjected to further curation. The score for this variant resulted in a classification of benign for this disease.

Eurofins Ntd Llc (ga)
Classification: Benign. Last evaluated: 2016-08-16. Review status: criteria provided, single submitter. Criteria: EGL Classification Definitions 2015. Collection method: clinical testing. Allele origin: germline. Observed: 4 variant alleles, 4 heterozygotes.

Breakthrough Genomics
Classification: Benign. Review status: criteria provided, single submitter. Criteria: ACMG Guidelines, 2015. Collection method: not provided. Allele origin: germline. Inheritance: Autosomal recessive inheritance. Affected: yes.

Mayo Clinic Laboratories, Mayo Clinic
Classification: Likely benign. Last evaluated: 2018-02-20. Review status: no assertion criteria provided. Collection method: clinical testing. Allele origin: unknown. Not counted in ClinVar's aggregate classification.

Natera, Inc.
Classification: Benign for Zellweger syndrome. Last evaluated: 2017-05-11. Review status: no assertion criteria provided. Collection method: clinical testing. Allele origin: germline. Not counted in ClinVar's aggregate classification.

Clinical Genetics DNA and cytogenetics Diagnostics Lab, Erasmus MC, Erasmus Medical Center
Classification: Benign. Review status: no assertion criteria provided. Collection method: clinical testing. Allele origin: germline. Affected: yes. Study: VKGL Data-share Consensus. Not counted in ClinVar's aggregate classification.

Clinical Genetics, Academic Medical Center
Classification: Benign. Review status: no assertion criteria provided. Collection method: clinical testing. Allele origin: germline. Affected: yes. Study: VKGL Data-share Consensus. Not counted in ClinVar's aggregate classification.

Dr. Peter K. Rogan Lab, Western University
No classification provided (evidence only). Condition: Gastric cancer. Review status: no classification provided. Collection method: in vitro. Allele origin: not applicable. Functional consequence: retained intron. Not counted in ClinVar's aggregate classification.

Genome Diagnostics Laboratory, University Medical Center Utrecht
Classification: Likely benign. Review status: no assertion criteria provided. Collection method: clinical testing. Allele origin: germline. Affected: yes. Study: VKGL Data-share Consensus. Not counted in ClinVar's aggregate classification.

NM_000466.3(PEX1):c.473-3C>T

Gene: PEX1 (peroxisomal biogenesis factor 1; minus strand). Cytogenetic location: 7q21.2.
Variant type: single nucleotide variant.
Coding change: c.473-3C>T on transcript NM_000466.3 (MANE Select); 3 bases into the intron before coding-DNA position 473, C replaced by T.
Molecular consequence: intron variant.
Genome position (GRCh38, 1-based): chr7:92,518,045, G>A on the plus strand (C>T on the coding strand, the complement: PEX1 is on the minus strand). VCF-style: chr7-92518045-G-A. GRCh37 (hg19) VCF-style: chr7-92147359-G-A.
Other names: c.473-3C>T (NM_001282677.2); c.-152-3C>T (NM_001282678.2).
Identifiers: ClinVar variation 167446 (VCV000167446.42), dbSNP rs150576000, ClinGen allele CA234521.
Genomic context (GRCh38, chr7:92,518,045, plus strand): 5'-ATAAGGAGTTTGGTGTCAGTTTCCAGCCTTCCATAAGAGGCAGCTGGTATTAGTGCAACT[G>A]TGTAGAAAATAAAGCTCATTAGTGCACATTCATTTCTACTTTGGACTCAATGCTATAGTG-3'